The following is an entry in ClinVar:

NM_000388.4(CASR):c.2644A>G (p.Lys882Glu)

Gene: CASR (calcium sensing receptor; plus strand). Cytogenetic location: 3q21.1.
Variant type: single nucleotide variant.
Coding change: c.2644A>G on transcript NM_000388.4 (MANE Select); coding-DNA position 2644, A replaced by G.
Protein change: p.Lys882Glu; replaces lysine 882 with glutamic acid.
Molecular consequence: missense variant.
Genome position (GRCh38, 1-based): chr3:122,284,598, A>G. VCF-style: chr3-122284598-A-G. GRCh37 (hg19) VCF-style: chr3-122003445-A-G.
Other names: c.2674A>G, p.Lys892Glu (NM_001178065.2); short protein forms K882E, K892E.
Identifiers: ClinVar variation 3231548 (VCV003231548.1), dbSNP rs193922437, ClinGen allele CA354160476.

ClinVar aggregate classification (germline): Uncertain significance (1 of 4 stars; one submission).

Conditions:
Nephrolithiasis/nephrocalcinosis. Identifiers: MedGen CN580796.

Submission:

Ambry Genetics
Classification: Uncertain significance for Nephrolithiasis/nephrocalcinosis. Last evaluated: 2023-05-14. Review status: criteria provided, single submitter. Criteria: Ambry Variant Classification Scheme 2023. Collection method: clinical testing. Allele origin: germline.
Comment: The p.K882E variant (also known as c.2644A>G), located in coding exon 6 of the CASR gene, results from an A to G substitution at nucleotide position 2644. The lysine at codon 882 is replaced by glutamic acid, an amino acid with similar properties. This amino acid position is conserved. In addition, this alteration is predicted to be deleterious by in silico analysis. Since supporting evidence is limited at this time, the clinical significance of this alteration remains unclear.